The following is an entry in ClinVar:

NM_030632.3(ASXL3):c.493C>T (p.Gln165Ter)

Gene: ASXL3 (ASXL transcriptional regulator 3; plus strand). Cytogenetic location: 18q12.1.
Variant type: single nucleotide variant.
Coding change: c.493C>T on transcript NM_030632.3 (MANE Select); coding-DNA position 493, C replaced by T.
Protein change: p.Gln165Ter; replaces glutamine 165 with a stop codon.
Molecular consequence: nonsense.
Genome position (GRCh38, 1-based): chr18:33,670,688, C>T. VCF-style: chr18-33670688-C-T. GRCh37 (hg19) VCF-style: chr18-31250652-C-T.
Other names: short protein forms Q165*.
Identifiers: ClinVar variation 1684142 (VCV001684142.2), dbSNP rs2145253839, ClinGen allele CA402167491.

ClinVar aggregate classification (germline): Likely pathogenic (1 of 4 stars; one submission).

Submission:

GeneDx
Classification: Likely pathogenic. Last evaluated: 2022-05-09. Review status: criteria provided, single submitter. Criteria: GeneDx Variant Classification Process June 2021. Collection method: clinical testing. Allele origin: germline. Affected: yes.
Comment: Nonsense variant predicted to result in protein truncation or nonsense mediated decay in a gene for which loss of function is a known mechanism of disease; Not observed at significant frequency in large population cohorts (gnomAD); Has not been previously published as pathogenic or benign to our knowledge